The following is an entry in ClinVar:

ClinVar aggregate classification (germline): Uncertain significance. Review status: criteria provided, multiple submitters, no conflicts (2 of 4 stars). 2 submissions from 2 submitters: Uncertain significance (2). Last evaluated 2025-12-19.

Allele frequency attached by ClinVar (database versions not stated): ExAC 0.00054; ESP Exome Variant Server 0.00062.
gnomAD v4.1: 977 of 1,614,014 alleles (0.061%); highest among the groups gnomAD compares: Non-Finnish European, 0.075%; no homozygotes.

Submissions (2):

Labcorp Genetics (formerly Invitae), Labcorp
Classification: Uncertain significance. Last evaluated: 2025-12-19. Review status: criteria provided, single submitter. Criteria: Invitae Variant Classification Sherloc (09022015). Collection method: clinical testing. Allele origin: germline.
Comment: This sequence change replaces serine, which is neutral and polar, with tyrosine, which is neutral and polar, at codon 1503 of the CELSR2 protein (p.Ser1503Tyr). This variant is present in population databases (rs145591944, gnomAD 0.08%), and has an allele count higher than expected for a pathogenic variant. This variant has not been reported in the literature in individuals affected with CELSR2-related conditions. ClinVar contains an entry for this variant (Variation ID: 2346803). Invitae Evidence Modeling of protein sequence and biophysical properties (such as structural, functional, and spatial information, amino acid conservation, physicochemical variation, residue mobility, and thermodynamic stability) indicates that this missense variant is expected to disrupt CELSR2 protein function with a positive predictive value of 80%. In summary, the available evidence is currently insufficient to determine the role of this variant in disease. Therefore, it has been classified as a Variant of Uncertain Significance.

Ambry Genetics
Classification: Uncertain significance. Last evaluated: 2024-11-08. Review status: criteria provided, single submitter. Criteria: Ambry Variant Classification Scheme 2023. Collection method: clinical testing. Allele origin: germline.

NM_001408.3(CELSR2):c.4508C>A (p.Ser1503Tyr)

Gene: CELSR2 (cadherin EGF LAG seven-pass G-type receptor 2; plus strand). Cytogenetic location: 1p13.3.
Variant type: single nucleotide variant.
Coding change: c.4508C>A on transcript NM_001408.3 (MANE Select); coding-DNA position 4508, C replaced by A.
Protein change: p.Ser1503Tyr; replaces serine 1503 with tyrosine.
Molecular consequence: missense variant.
Genome position (GRCh38, 1-based): chr1:109,262,408, C>A. VCF-style: chr1-109262408-C-A. GRCh37 (hg19) VCF-style: chr1-109805030-C-A.
Other names: short protein forms S1503Y.
Identifiers: ClinVar variation 2346803 (VCV002346803.5), dbSNP rs145591944, ClinGen allele CA987240.
Genomic context (GRCh38, chr1:109,262,408, plus strand): 5'-CCGTGGATGGCTGTGACACAGGAGTGGCCTTGCGCTTCGGATCTGTCCTGGGCAACTACT[C>A]CTGTGCTGCCCAGGGCACCCAGGGTGGCAGCAAGAAGTGAGCAGGGGAAAGGGCCAGGGA-3'
Protein context (NP_001399.1, residues 1493-1513): LRFGSVLGNY[Ser1503Tyr]CAAQGTQGGS